The following is an entry in ClinVar:

NM_000751.3(CHRND):c.160G>A (p.Val54Ile)

Gene: CHRND (cholinergic receptor nicotinic delta subunit; plus strand). Cytogenetic location: 2q37.1.
Variant type: single nucleotide variant.
Coding change: c.160G>A on transcript NM_000751.3 (MANE Select); coding-DNA position 160, G replaced by A.
Protein change: p.Val54Ile; replaces valine 54 with isoleucine.
Molecular consequence: missense variant. On other transcripts: 5 prime UTR variant (2).
Genome position (GRCh38, 1-based): chr2:232,526,636, G>A. VCF-style: chr2-232526636-G-A. GRCh37 (hg19) VCF-style: chr2-233391346-G-A.
Other names: c.160G>A, p.Val54Ile (NM_001256657.2); c.-112G>A (NM_001311195.2, NM_001311196.2); c.160G>A (NM_000751.1); short protein forms V54I.
Identifiers: ClinVar variation 955925 (VCV000955925.10), dbSNP rs369869476, ClinGen allele CA2167913.

ClinVar aggregate classification (germline): Conflicting classifications of pathogenicity. Review status: criteria provided, conflicting classifications (1 of 4 stars). 2 submissions from 2 submitters: Uncertain significance (1); Likely benign (1). Last evaluated 2025-01-08.

Conditions:
Lethal multiple pterygium syndrome (LMPS). Identifiers: Orphanet 33108, MedGen C1854678, MONDO:0009668, OMIM 253290.
Inborn genetic diseases. Identifiers: MedGen C0950123, MeSH D030342.

Allele frequency attached by ClinVar (database versions not stated): ExAC 0.00001; gnomAD exomes 0.00003 and 0.00004; TOPMed 0.00003; gnomAD 0.00004; ESP Exome Variant Server 0.00008.
gnomAD v4.1: 62 of 1,613,568 alleles (0.0038%); highest among the groups gnomAD compares: African/African-American, 0.004%; no homozygotes.

Submissions (2):

Labcorp Genetics (formerly Invitae), Labcorp
Classification: Uncertain significance for Lethal multiple pterygium syndrome. Last evaluated: 2025-01-08. Review status: criteria provided, single submitter. Criteria: Invitae Variant Classification Sherloc (09022015). Collection method: clinical testing. Allele origin: germline.
Comment: This sequence change replaces valine, which is neutral and non-polar, with isoleucine, which is neutral and non-polar, at codon 54 of the CHRND protein (p.Val54Ile). This variant is present in population databases (rs369869476, gnomAD 0.03%). This variant has not been reported in the literature in individuals affected with CHRND-related conditions. ClinVar contains an entry for this variant (Variation ID: 955925). Invitae Evidence Modeling of protein sequence and biophysical properties (such as structural, functional, and spatial information, amino acid conservation, physicochemical variation, residue mobility, and thermodynamic stability) indicates that this missense variant is not expected to disrupt CHRND protein function with a negative predictive value of 95%. In summary, the available evidence is currently insufficient to determine the role of this variant in disease. Therefore, it has been classified as a Variant of Uncertain Significance.

Ambry Genetics
Classification: Likely benign for Inborn genetic diseases. Last evaluated: 2022-11-01. Review status: criteria provided, single submitter. Criteria: Ambry Variant Classification Scheme 2023. Collection method: clinical testing. Allele origin: germline.